The following is an entry in ClinVar:

ClinVar aggregate classification (germline): Uncertain significance (1 of 4 stars; one submission).

Conditions:
Myopathy, centronuclear, 2 (CNM2). Also called: MYOTUBULAR MYOPATHY, AUTOSOMAL RECESSIVE. Identifiers: Orphanet 169186, MedGen CN031787, MONDO:0009709, OMIM 255200.

gnomAD v4.1: 1 of 1,606,288 alleles (0.000062%); no homozygotes.

Submission:

Labcorp Genetics (formerly Invitae), Labcorp
Classification: Uncertain significance for Myopathy, centronuclear, 2. Last evaluated: 2022-10-27. Review status: criteria provided, single submitter. Criteria: Invitae Variant Classification Sherloc (09022015). Collection method: clinical testing. Allele origin: germline.
Comment: This sequence change replaces asparagine, which is neutral and polar, with isoleucine, which is neutral and non-polar, at codon 260 of the BIN1 protein (p.Asn260Ile). In summary, the available evidence is currently insufficient to determine the role of this variant in disease. Therefore, it has been classified as a Variant of Uncertain Significance. Advanced modeling of protein sequence and biophysical properties (such as structural, functional, and spatial information, amino acid conservation, physicochemical variation, residue mobility, and thermodynamic stability) performed at Invitae indicates that this missense variant is not expected to disrupt BIN1 protein function. This variant has not been reported in the literature in individuals affected with BIN1-related conditions. This variant is not present in population databases (gnomAD no frequency).

NM_139343.3(BIN1):c.779A>T (p.Asn260Ile)

Gene: BIN1 (bridging integrator 1; minus strand). Cytogenetic location: 2q14.3.
Variant type: single nucleotide variant.
Coding change: c.779A>T on transcript NM_139343.3 (MANE Select); coding-DNA position 779, A replaced by T.
Protein change: p.Asn260Ile; replaces asparagine 260 with isoleucine.
Molecular consequence: missense variant.
Genome position (GRCh38, 1-based): chr2:127,062,193, T>A on the plus strand (A>T on the coding strand, the complement: BIN1 is on the minus strand). VCF-style: chr2-127062193-T-A. GRCh37 (hg19) VCF-style: chr2-127819769-T-A.
Other names: c.686A>T, p.Asn229Ile (NM_001320632.2, NM_001320641.2, NM_004305.4 and 6 more transcripts); c.779A>T, p.Asn260Ile (NM_001320633.2, NM_001320640.2, NM_139344.3 and 1 more transcripts); c.614A>T, p.Asn205Ile (NM_001320634.1); c.698A>T, p.Asn233Ile (NM_001320642.1); short protein forms N205I, N233I, N229I, N260I.
Identifiers: ClinVar variation 2981025 (VCV002981025.3), dbSNP rs1184217056, ClinGen allele CA348381380.